The following is an entry in ClinVar:

NM_000124.4(ERCC6):c.4399C>T (p.Arg1467Ter)

Gene: ERCC6 (ERCC excision repair 6, chromatin remodeling factor; minus strand). Cytogenetic location: 10q11.23.
Variant type: single nucleotide variant.
Coding change: c.4399C>T on transcript NM_000124.4 (MANE Select); coding-DNA position 4399, C replaced by T.
Protein change: p.Arg1467Ter; replaces arginine 1467 with a stop codon.
Molecular consequence: nonsense.
Genome position (GRCh38, 1-based): chr10:49,458,898, G>A on the plus strand (C>T on the coding strand, the complement: ERCC6 is on the minus strand). VCF-style: chr10-49458898-G-A. GRCh37 (hg19) VCF-style: chr10-50666944-G-A.
Other names: c.4399C>T, p.Arg1467Ter (NM_001346440.2); short protein forms R1467*.
Identifiers: ClinVar variation 554231 (VCV000554231.4), dbSNP rs762976316, ClinGen allele CA5495120.

ClinVar aggregate classification (germline): Uncertain significance. Review status: criteria provided, single submitter (1 of 4 stars). 2 submissions from 2 submitters: Uncertain significance (1). 1 of the submissions does not count toward it. Last evaluated 2022-08-13.

Conditions:
DE SANCTIS-CACCHIONE SYNDROME. Identifiers: MedGen C0265201, MONDO:0010217, OMIM 278800.
Cockayne syndrome type 2 (CSB). Also called: Cockayne Syndrome, Type II; COCKAYNE SYNDROME B. Identifiers: Orphanet 191, Orphanet 90322, MedGen C0751038, MONDO:0019570, OMIM 133540.
Cerebrooculofacioskeletal syndrome 1 (COFS1). Also called: Cerebro-oculo-facio-skeletal syndrome 1. Identifiers: MedGen C0220722, MONDO:0008955, OMIM 214150.

Allele frequency attached by ClinVar (database versions not stated): gnomAD 0.00001; gnomAD exomes 0.00001 and 0.00002; TOPMed 0.00001; ExAC 0.00002.
gnomAD v4.1: 17 of 1,614,020 alleles (0.0011%); highest among the groups gnomAD compares: African/African-American, 0.004%; no homozygotes.

Submissions (2):

Labcorp Genetics (formerly Invitae), Labcorp
Classification: Uncertain significance. Last evaluated: 2022-08-13. Review status: criteria provided, single submitter. Criteria: Invitae Variant Classification Sherloc (09022015). Collection method: clinical testing. Allele origin: germline.
Comment: This sequence change creates a premature translational stop signal (p.Arg1467*) in the ERCC6 gene. While this is not anticipated to result in nonsense mediated decay, it is expected to disrupt the last 27 amino acid(s) of the ERCC6 protein. This variant is present in population databases (rs762976316, gnomAD 0.004%). This variant has not been reported in the literature in individuals affected with ERCC6-related conditions. ClinVar contains an entry for this variant (Variation ID: 554231). Experimental studies and prediction algorithms are not available or were not evaluated, and the functional significance of this variant is currently unknown. In summary, the available evidence is currently insufficient to determine the role of this variant in disease. Therefore, it has been classified as a Variant of Uncertain Significance.

Counsyl
Classification: Likely pathogenic for Cockayne syndrome type 2; Cerebrooculofacioskeletal syndrome 1; DE SANCTIS-CACCHIONE SYNDROME. Last evaluated: 2017-10-04. Review status: no assertion criteria provided. Collection method: clinical testing. Allele origin: unknown. Not counted in ClinVar's aggregate classification.

Literature cited by the submitters: PubMed 26620705 (cited by Counsyl).